The following is an entry in ClinVar:

ClinVar aggregate classification (germline): Likely benign (1 of 4 stars; one submission).

Allele frequency attached by ClinVar (database versions not stated): TOPMed 0.00114; 1000 Genomes Project 30x 0.00125; 1000 Genomes Project 0.00140; gnomAD 0.00162; gnomAD exomes 0.00231; ExAC 0.00259.
gnomAD v4.1: 3,145 of 1,416,062 alleles (0.22%); highest among the groups gnomAD compares: South Asian, 0.37%; 8 homozygotes.

Submissions (2):

CeGaT Center for Human Genetics Tuebingen
Classification: Likely benign. Last evaluated: 2024-05-01. Review status: criteria provided, single submitter. Criteria: CeGaT Center For Human Genetics Tuebingen Variant Classification Criteria Version 2. Collection method: clinical testing. Allele origin: germline. Affected: yes. Observed: 4 variant alleles.
Comment: WDR1: BS2

Dr. Peter K. Rogan Lab, Western University
No classification provided (evidence only). Condition: Cholangiocarcinoma. Review status: no classification provided. Collection method: in vitro. Allele origin: not applicable. Functional consequence: retained intron. Not counted in ClinVar's aggregate classification.

NM_017491.5(WDR1):c.637-78G>T

Gene: WDR1 (WD repeat domain 1; minus strand). Cytogenetic location: 4p16.1.
Variant type: single nucleotide variant.
Coding change: c.637-78G>T on transcript NM_017491.5 (MANE Select); 78 bases into the intron before coding-DNA position 637, G replaced by T.
Molecular consequence: intron variant.
Genome position (GRCh38, 1-based): chr4:10,088,451, C>A on the plus strand (G>T on the coding strand, the complement: WDR1 is on the minus strand). VCF-style: chr4-10088451-C-A. GRCh37 (hg19) VCF-style: chr4-10090075-C-A.
Other names: NC_000004.11:g.10090075C>A; c.217-78G>T (NM_005112.5).
Identifiers: ClinVar variation 2571201 (VCV002571201.28), dbSNP rs549248277, ClinGen allele CA2857925.
Genomic context (GRCh38, chr4:10,088,451, plus strand): 5'-CATGTGGGTCATGTGTGTGTGAACACCCTCTGGAGTAAGCAGTTTCTCCATGGACTGTGG[C>A]TGTAGAAAACCGGGGCTCACAGACTAAGCTCCCAGTGTGGTTTAAAAGCAGACATGCATT-3'